The following is an entry in ClinVar:

ClinVar aggregate classification (germline): Conflicting classifications of pathogenicity. Review status: criteria provided, conflicting classifications (1 of 4 stars). 4 submissions from 4 submitters: Uncertain significance (1); Benign (1); Likely benign (2). Last evaluated 2025-09-27.

Conditions:
Familial infantile myoclonic epilepsy (FIME). Also called: Epilepsy, Myoclonic, Infantile; TBC1D24-Related Familial Infantile Myoclonic Epilepsy (FIME). Identifiers: Orphanet 352582, MedGen C0917800, MONDO:0011506, OMIM 605021.
Autosomal dominant nonsyndromic hearing loss 65. Also called: Deafness, autosomal dominant 65; TBC1D24-Related Autosomal Dominant Nonsyndromic Hearing Loss (DFNA). Identifiers: Orphanet 90635, MedGen C3892048, MONDO:0014470, OMIM 616044.
Developmental and epileptic encephalopathy, 1 (DEE1). Also called: X-linked infantile spasms; West's syndrome; Tonic spasms with clustering, arrest of psychomotor development and hypsarrhythmia on EEG; X-Linked Infantile Spasm Syndrome; OHTAHARA SYNDROME, X-LINKED; INFANTILE SPASM SYNDROME, X-LINKED 1. Identifiers: MedGen C3463992, MONDO:0010632, OMIM 308350. Disease mechanism: loss of function.

Allele frequency attached by ClinVar (database versions not stated): 1000 Genomes Project 0.00020; gnomAD 0.00001 and 0.00005; ExAC 0.00003; TOPMed 0.00003; gnomAD exomes 0.00004; 1000 Genomes Project 30x 0.00016.

Submissions (4):

Labcorp Genetics (formerly Invitae), Labcorp
Classification: Likely benign for Developmental and epileptic encephalopathy, 1; Autosomal dominant nonsyndromic hearing loss 65. Last evaluated: 2025-09-27. Review status: criteria provided, single submitter. Criteria: Invitae Variant Classification Sherloc (09022015). Collection method: clinical testing. Allele origin: germline.

Blueprint Genetics
Classification: Likely benign. Last evaluated: 2024-08-22. Review status: criteria provided, single submitter. Criteria: ACMG Guidelines, 2015. Collection method: clinical testing. Allele origin: germline.

Illumina Laboratory Services, Illumina
Classification: Uncertain significance for Familial infantile myoclonic epilepsy. Last evaluated: 2018-01-12. Review status: criteria provided, single submitter. Criteria: ICSL Variant Classification Criteria 13 December 2019. Collection method: clinical testing. Allele origin: germline.

GeneDx
Classification: Benign. Last evaluated: 2015-04-28. Review status: criteria provided, single submitter. Criteria: GeneDx Variant Classification (06012015). Collection method: clinical testing. Allele origin: germline. Affected: yes.
Comment: This variant is considered likely benign or benign based on one or more of the following criteria: it is a conservative change, it occurs at a poorly conserved position in the protein, it is predicted to be benign by multiple in silico algorithms, and/or has population frequency not consistent with disease.

NM_001199107.2(TBC1D24):c.408C>T (p.Ala136=)

Gene: TBC1D24 (TBC1 domain family member 24; plus strand). Cytogenetic location: 16p13.3.
Variant type: single nucleotide variant.
Coding change: c.408C>T on transcript NM_001199107.2 (MANE Select); coding-DNA position 408, C replaced by T.
Protein change: p.Ala136=; no amino-acid change (alanine 136 retained).
Molecular consequence: synonymous variant.
Genome position (GRCh38, 1-based): chr16:2,496,556, C>T. VCF-style: chr16-2496556-C-T. GRCh37 (hg19) VCF-style: chr16-2546557-C-T.
Other names: c.408C>T, p.Ala136= (NM_020705.3).
Identifiers: ClinVar variation 378702 (VCV000378702.13), dbSNP rs3810796, ClinGen allele CA7843994.